The following is an entry in ClinVar:

ClinVar aggregate classification (germline): Uncertain significance. Review status: criteria provided, single submitter (1 of 4 stars). 2 submissions from 2 submitters: Uncertain significance (1). 1 of the submissions does not count toward it. Last evaluated 2026-04-02.

Conditions:
DNAH7-related disorder. Also called: DNAH7-related condition.

gnomAD v4.1: 83 of 1,605,752 alleles (0.0052%); highest among the groups gnomAD compares: Middle Eastern, 0.033%; no homozygotes.

Submissions (2):

GeneDx
Classification: Uncertain significance. Last evaluated: 2026-04-02. Review status: criteria provided, single submitter. Criteria: GeneDx Variant Classification Process June 2021. Collection method: clinical testing. Allele origin: germline.
Comment: In silico analysis supports that this missense variant has a deleterious effect on protein structure/function; Has not been previously published as pathogenic or benign to our knowledge

PreventionGenetics, part of Exact Sciences
Classification: Uncertain significance for DNAH7-related condition. Last evaluated: 2024-03-21. Review status: no assertion criteria provided. Collection method: clinical testing. Allele origin: germline. Not counted in ClinVar's aggregate classification.
Comment: The DNAH7 c.2071C>T variant is predicted to result in the amino acid substitution p.Arg691Trp. To our knowledge, this variant has not been reported in the literature. This variant is reported in 0.026% of alleles in individuals of East Asian descent in gnomAD. At this time, the clinical significance of this variant is uncertain due to the absence of conclusive functional and genetic evidence.

NM_018897.3(DNAH7):c.2071C>T (p.Arg691Trp)

Gene: DNAH7 (dynein axonemal heavy chain 7; minus strand). Cytogenetic location: 2q32.3.
Variant type: single nucleotide variant.
Coding change: c.2071C>T on transcript NM_018897.3 (MANE Select); coding-DNA position 2071, C replaced by T.
Protein change: p.Arg691Trp; replaces arginine 691 with tryptophan.
Molecular consequence: missense variant.
Genome position (GRCh38, 1-based): chr2:195,970,082, G>A on the plus strand (C>T on the coding strand, the complement: DNAH7 is on the minus strand). VCF-style: chr2-195970082-G-A. GRCh37 (hg19) VCF-style: chr2-196834806-G-A.
Other names: short protein forms R691W.
Identifiers: ClinVar variation 3351521 (VCV003351521.2).
Genomic context (GRCh38, chr2:195,970,082, plus strand): 5'-CTCCAAATGAATAAAATTCTTCTGATTGCTTAGCATAACTCTCCAATTCCTCCACAAACC[G>A]TTCACACCGTAACTAATAAAAACAATTTGTTGTTAATATTCTTAAAAGTTAAAACCCCTT-3'
Protein context (NP_061720.2, residues 681-701): YQEGLKLRCE[Arg691Trp]FVEELESYAK